The following is an entry in ClinVar:

NM_018897.3(DNAH7):c.5254A>T (p.Met1752Leu)

Gene: DNAH7 (dynein axonemal heavy chain 7; minus strand). Cytogenetic location: 2q32.3.
Variant type: single nucleotide variant.
Coding change: c.5254A>T on transcript NM_018897.3 (MANE Select); coding-DNA position 5254, A replaced by T.
Protein change: p.Met1752Leu; replaces methionine 1752 with leucine.
Molecular consequence: missense variant.
Genome position (GRCh38, 1-based): chr2:195,888,410, T>A on the plus strand (A>T on the coding strand, the complement: DNAH7 is on the minus strand). VCF-style: chr2-195888410-T-A. GRCh37 (hg19) VCF-style: chr2-196753134-T-A.
Other names: short protein forms M1752L.
Identifiers: ClinVar variation 3342754 (VCV003342754.1).

ClinVar aggregate classification (germline): Uncertain significance (1 of 4 stars; one submission).

Submission:

GeneDx
Classification: Uncertain significance. Last evaluated: 2022-12-07. Review status: criteria provided, single submitter. Criteria: GeneDx Variant Classification Process June 2021. Collection method: clinical testing. Allele origin: germline. Affected: yes.
Comment: In silico analysis supports that this missense variant does not alter protein structure/function; Has not been previously published as pathogenic or benign to our knowledge; Variants in candidate genes are classified as variants of uncertain significance in accordance with ACMG guidelines (Richards et al., 2015)